The following is an entry in ClinVar:

ClinVar aggregate classification (germline): Likely pathogenic (1 of 4 stars; one submission).

Conditions:
Bardet-Biedl syndrome (BBS). Identifiers: Orphanet 110, MedGen C0752166, MONDO:0015229.

Submission:

Labcorp Genetics (formerly Invitae), Labcorp
Classification: Likely pathogenic for Bardet-Biedl syndrome. Last evaluated: 2024-08-12. Review status: criteria provided, single submitter. Criteria: Invitae Variant Classification Sherloc (09022015). Collection method: clinical testing. Allele origin: germline.
Comment: This sequence change affects an acceptor splice site in intron 2 of the BBS4 gene. It is expected to disrupt RNA splicing. Variants that disrupt the donor or acceptor splice site typically lead to a loss of protein function (PMID: 16199547), and loss-of-function variants in BBS4 are known to be pathogenic (PMID: 11381270, 12016587, 20177705, 27894351). This variant is not present in population databases (gnomAD no frequency). This variant has not been reported in the literature in individuals affected with BBS4-related conditions. Algorithms developed to predict the effect of sequence changes on RNA splicing suggest that this variant may disrupt the consensus splice site. In summary, the currently available evidence indicates that the variant is pathogenic, but additional data are needed to prove that conclusively. Therefore, this variant has been classified as Likely Pathogenic.

Literature cited by the submitters: PubMed 16199547; PubMed 11381270; PubMed 12016587; PubMed 20177705; PubMed 27894351.

NM_033028.5(BBS4):c.77-2A>G

Gene: BBS4 (Bardet-Biedl syndrome 4; plus strand). Cytogenetic location: 15q24.1.
Variant type: single nucleotide variant.
Coding change: c.77-2A>G on transcript NM_033028.5 (MANE Select); the canonical splice acceptor site of the intron before coding-DNA position 77, A replaced by G.
Molecular consequence: splice acceptor variant.
Genome position (GRCh38, 1-based): chr15:72,709,698, A>G. VCF-style: chr15-72709698-A-G. GRCh37 (hg19) VCF-style: chr15-73002039-A-G.
Other names: c.77-2A>G (NM_001320665.2); c.-445-2A>G (NM_001252678.2).
Identifiers: ClinVar variation 3729916 (VCV003729916.2).